The following is an entry in ClinVar:

ClinVar aggregate classification (germline): Likely benign. Review status: criteria provided, multiple submitters, no conflicts (2 of 4 stars). 5 submissions from 5 submitters: Likely benign (4). 1 of the submissions does not count toward it. Last evaluated 2025-12-01.

Conditions:
SPTBN4-related disorder. Also called: SPTBN4-related condition.

Allele frequency attached by ClinVar (database versions not stated): ESP Exome Variant Server 0.00200; gnomAD 0.00217 and 0.00227; TOPMed 0.00264; gnomAD exomes 0.00267 and 0.00287; 1000 Genomes Project 0.00300; 1000 Genomes Project 30x 0.00344; ExAC 0.00366.
gnomAD v4.1: 4,545 of 1,606,964 alleles (0.28%); highest among the groups gnomAD compares: Middle Eastern, 0.91%; 11 homozygotes.

Submissions (5):

CeGaT Center for Human Genetics Tuebingen
Classification: Likely benign. Last evaluated: 2025-12-01. Review status: criteria provided, single submitter. Criteria: CeGaT Center For Human Genetics Tuebingen Variant Classification Criteria Version 2. Collection method: clinical testing. Allele origin: germline. Affected: yes. Observed: 3 variant alleles.
Comment: SPTBN4: PP2, BP4, BS2

Blueprint Genetics
Classification: Likely benign. Last evaluated: 2024-11-23. Review status: criteria provided, single submitter. Criteria: ACMG Guidelines, 2015. Collection method: clinical testing. Allele origin: germline.

Labcorp Genetics (formerly Invitae), Labcorp
Classification: Likely benign. Last evaluated: 2019-12-31. Review status: criteria provided, single submitter. Criteria: Invitae Variant Classification Sherloc (09022015). Collection method: clinical testing. Allele origin: germline.

Breakthrough Genomics
Classification: Likely benign. Review status: criteria provided, single submitter. Criteria: ACMG Guidelines, 2015. Collection method: not provided. Allele origin: germline. Inheritance: Autosomal recessive inheritance. Affected: yes.

PreventionGenetics, part of Exact Sciences
Classification: Likely benign for SPTBN4-related condition. Last evaluated: 2022-04-28. Review status: no assertion criteria provided. Collection method: clinical testing. Allele origin: germline. Not counted in ClinVar's aggregate classification.
Comment: This variant is classified as likely benign based on ACMG/AMP sequence variant interpretation guidelines (Richards et al. 2015 PMID: 25741868, with internal and published modifications).

NM_020971.3(SPTBN4):c.116C>T (p.Ala39Val)

Gene: SPTBN4 (spectrin beta, non-erythrocytic 4; plus strand). Cytogenetic location: 19q13.2.
Variant type: single nucleotide variant.
Coding change: c.116C>T on transcript NM_020971.3 (MANE Select); coding-DNA position 116, C replaced by T.
Protein change: p.Ala39Val; replaces alanine 39 with valine.
Molecular consequence: missense variant.
Genome position (GRCh38, 1-based): chr19:40,472,737, C>T. VCF-style: chr19-40472737-C-T. GRCh37 (hg19) VCF-style: chr19-40978644-C-T.
Other names: short protein forms A39V.
Identifiers: ClinVar variation 770657 (VCV000770657.31), dbSNP rs150447798, ClinGen allele CA9445251.